The following is an entry in ClinVar:

NM_003865.3(HESX1):c.50C>T (p.Ser17Leu)

Gene: HESX1 (HESX homeobox 1; minus strand). Cytogenetic location: 3p14.3.
Variant type: single nucleotide variant.
Coding change: c.50C>T on transcript NM_003865.3 (MANE Select); coding-DNA position 50, C replaced by T.
Protein change: p.Ser17Leu; replaces serine 17 with leucine.
Molecular consequence: missense variant.
Genome position (GRCh38, 1-based): chr3:57,199,869, G>A on the plus strand (C>T on the coding strand, the complement: HESX1 is on the minus strand). VCF-style: chr3-57199869-G-A. GRCh37 (hg19) VCF-style: chr3-57233897-G-A.
Other names: c.50C>T, p.Ser17Leu (NM_001376058.1, NM_001376059.1, NM_001376060.1 and 1 more transcripts); c.50C>T (NM_003865.2); short protein forms S17L.
Identifiers: ClinVar variation 2097836 (VCV002097836.5), dbSNP rs1319945046, ClinGen allele CA353402144.
Genomic context (GRCh38, chr3:57,199,869, plus strand): 5'-GGAACACAGTCTTTCTTCTGGTCCAGTCCTAAGATTCTCTCAATTGAAAAGGAGCAAGTT[G>A]AGGGTTTGTTTTCCCCGAGCTGAGCGCCTTCCTGAAGGCTGGGAGACATCCTCTCGTGGT-3'
Protein context (NP_003856.1, residues 7-27): EGAQLGENKP[Ser17Leu]TCSFSIERIL

ClinVar aggregate classification (germline): Uncertain significance. Review status: criteria provided, multiple submitters, no conflicts (2 of 4 stars). 2 submissions from 2 submitters: Uncertain significance (2). Last evaluated 2024-07-17.

Conditions:
Septo-optic dysplasia sequence (SOD). Also called: DE MORSIER SYNDROME; Septo-optic dysplasia. Identifiers: Orphanet 3157, MedGen C0338503, MONDO:0008428, OMIM 182230, HP:0100842.
GROWTH HORMONE DEFICIENCY WITH PITUITARY ANOMALIES. Identifiers: MedGen C2750027, OMIM 182230.
Inborn genetic diseases. Identifiers: MedGen C0950123, MeSH D030342.

Allele frequency attached by ClinVar (database versions not stated): gnomAD exomes below 0.00001; TOPMed below 0.00001.
gnomAD v4.1: 1 of 1,614,112 alleles (0.000062%); highest among the groups gnomAD compares: Admixed American, 0.0017%; no homozygotes.

Submissions (2):

Ambry Genetics
Classification: Uncertain significance for Inborn genetic diseases. Last evaluated: 2024-07-17. Review status: criteria provided, single submitter. Criteria: Ambry Variant Classification Scheme 2023. Collection method: clinical testing. Allele origin: germline.

Labcorp Genetics (formerly Invitae), Labcorp
Classification: Uncertain significance for GROWTH HORMONE DEFICIENCY WITH PITUITARY ANOMALIES; Septo-optic dysplasia sequence. Last evaluated: 2022-08-03. Review status: criteria provided, single submitter. Criteria: Invitae Variant Classification Sherloc (09022015). Collection method: clinical testing. Allele origin: germline.
Comment: In summary, the available evidence is currently insufficient to determine the role of this variant in disease. Therefore, it has been classified as a Variant of Uncertain Significance. Algorithms developed to predict the effect of missense changes on protein structure and function output the following: SIFT: "Tolerated"; PolyPhen-2: "Benign"; Align-GVGD: "Class C0". The leucine amino acid residue is found in multiple mammalian species, which suggests that this missense change does not adversely affect protein function. This variant has not been reported in the literature in individuals affected with HESX1-related conditions. This variant is present in population databases (no rsID available, gnomAD 0.003%). This sequence change replaces serine, which is neutral and polar, with leucine, which is neutral and non-polar, at codon 17 of the HESX1 protein (p.Ser17Leu).